The following is an entry in ClinVar:

ClinVar aggregate classification (germline): Uncertain significance (1 of 4 stars; one submission).

Allele frequency attached by ClinVar (database versions not stated): gnomAD exomes below 0.00001; TOPMed 0.00001; ExAC 0.00002.
gnomAD v4.1: 3 of 1,603,866 alleles (0.00019%); highest among the groups gnomAD compares: Admixed American, 0.0017%; no homozygotes.

Submission:

Labcorp Genetics (formerly Invitae), Labcorp
Classification: Uncertain significance. Last evaluated: 2023-10-13. Review status: criteria provided, single submitter. Criteria: Invitae Variant Classification Sherloc (09022015). Collection method: clinical testing. Allele origin: germline.
Comment: This sequence change replaces serine, which is neutral and polar, with threonine, which is neutral and polar, at codon 258 of the PROM1 protein (p.Ser258Thr). The frequency data for this variant in the population databases is considered unreliable, as metrics indicate poor data quality at this position in the gnomAD database. This variant has not been reported in the literature in individuals affected with PROM1-related conditions. ClinVar contains an entry for this variant (Variation ID: 2418472). Advanced modeling of protein sequence and biophysical properties (such as structural, functional, and spatial information, amino acid conservation, physicochemical variation, residue mobility, and thermodynamic stability) performed at Invitae indicates that this missense variant is not expected to disrupt PROM1 protein function. In summary, the available evidence is currently insufficient to determine the role of this variant in disease. Therefore, it has been classified as a Variant of Uncertain Significance.

NM_006017.3(PROM1):c.772T>A (p.Ser258Thr)

Gene: PROM1 (prominin 1; minus strand). Cytogenetic location: 4p15.32.
Variant type: single nucleotide variant.
Coding change: c.772T>A on transcript NM_006017.3 (MANE Select); coding-DNA position 772, T replaced by A.
Protein change: p.Ser258Thr; replaces serine 258 with threonine.
Molecular consequence: missense variant.
Genome position (GRCh38, 1-based): chr4:16,023,338, A>T on the plus strand (T>A on the coding strand, the complement: PROM1 is on the minus strand). VCF-style: chr4-16023338-A-T. GRCh37 (hg19) VCF-style: chr4-16024961-A-T.
Other names: c.745T>A, p.Ser249Thr (NM_001145847.2, NM_001145848.2, NM_001145851.2 and 4 more transcripts); c.772T>A, p.Ser258Thr (NM_001145849.2, NM_001145850.2); short protein forms S249T, S258T.
Identifiers: ClinVar variation 2418472 (VCV002418472.6), dbSNP rs375217852, ClinGen allele CA2866965.